The following is an entry in ClinVar:

ClinVar aggregate classification (germline): Pathogenic (1 of 4 stars; one submission).

Submission:

Labcorp Genetics (formerly Invitae), Labcorp
Classification: Pathogenic. Last evaluated: 2023-12-07. Review status: criteria provided, single submitter. Criteria: Invitae Variant Classification Sherloc (09022015). Collection method: clinical testing. Allele origin: germline.
Comment: This sequence change creates a premature translational stop signal (p.Arg627Lysfs*8) in the TJP2 gene. It is expected to result in an absent or disrupted protein product. Loss-of-function variants in TJP2 are known to be pathogenic (PMID: 24614073, 25921221, 28039895). This variant is not present in population databases (gnomAD no frequency). This variant has not been reported in the literature in individuals affected with TJP2-related conditions. ClinVar contains an entry for this variant (Variation ID: 2018080). For these reasons, this variant has been classified as Pathogenic.

Literature cited by the submitters: PubMed 24614073; PubMed 25921221; PubMed 28039895.

NM_004817.4(TJP2):c.1880del (p.Arg627fs)

Gene: TJP2 (tight junction protein 2; plus strand). Cytogenetic location: 9q21.11.
Variant type: Deletion.
Coding change: c.1880del on transcript NM_004817.4 (MANE Select); coding-DNA position 1880, one base deleted (G; older notation c.1880delG).
Protein change: p.Arg627fs; shifts the reading frame from arginine 627.
Molecular consequence: frameshift variant.
Genome position (GRCh38, 1-based): chr9:69,236,127, G deleted. VCF-style (leftmost placement, unchanged base first): chr9-69236126-AG-A. GRCh37 (hg19) VCF-style: chr9-71851042-AG-A.
Other names: c.1811del, p.Arg604fs (NM_001170414.2, NM_001369871.1); c.1892del, p.Arg631fs (NM_001170415.1, NM_001369874.1, NM_001369875.1); c.1973del, p.Arg658fs (NM_001170416.2); c.1805del, p.Arg602fs (NM_001369870.1); c.1880del, p.Arg627fs (NM_001369872.1, NM_001369873.1, NM_201629.3); short protein forms R604fs, R631fs, R602fs, R658fs, R627fs.
Identifiers: ClinVar variation 2018080 (VCV002018080.4), dbSNP rs2538571854, ClinGen allele CA2580080546.